The following is an entry in ClinVar:

NM_014319.5(LEMD3):c.2607T>A (p.Asp869Glu)

Gene: LEMD3 (LEM domain containing 3; plus strand). Cytogenetic location: 12q14.3.
Variant type: single nucleotide variant.
Coding change: c.2607T>A on transcript NM_014319.5 (MANE Select); coding-DNA position 2607, T replaced by A.
Protein change: p.Asp869Glu; replaces aspartic acid 869 with glutamic acid.
Molecular consequence: missense variant.
Genome position (GRCh38, 1-based): chr12:65,246,196, T>A. VCF-style: chr12-65246196-T-A. GRCh37 (hg19) VCF-style: chr12-65639976-T-A.
Other names: c.2604T>A, p.Asp868Glu (NM_001167614.2); short protein forms D868E, D869E.
Identifiers: ClinVar variation 3611922 (VCV003611922.2).
Genomic context (GRCh38, chr12:65,246,196, plus strand): 5'-AAAATATTATTTTTATCTTACAACAGGGAAATTGGTTACAGTAAAATATTTACGACTAGA[T>A]AGATACCACCATCGCTTTCCCCAGGCTCTCACTTCCAACACTCCATTGAAGCCATCAAAT-3'
Protein context (NP_055134.2, residues 859-879): KLVTVKYLRL[Asp869Glu]RYHHRFPQAL

ClinVar aggregate classification (germline): Uncertain significance (1 of 4 stars; one submission).

gnomAD v4.1: 17 of 1,612,224 alleles (0.0011%); highest among the groups gnomAD compares: Admixed American, 0.005%; no homozygotes.

Submission:

Labcorp Genetics (formerly Invitae), Labcorp
Classification: Uncertain significance. Last evaluated: 2025-03-20. Review status: criteria provided, single submitter. Criteria: Invitae Variant Classification Sherloc (09022015). Collection method: clinical testing. Allele origin: germline.
Comment: This sequence change replaces aspartic acid, which is acidic and polar, with glutamic acid, which is acidic and polar, at codon 869 of the LEMD3 protein (p.Asp869Glu). This variant is present in population databases (no rsID available, gnomAD 0.003%). This variant has not been reported in the literature in individuals affected with LEMD3-related conditions. Invitae Evidence Modeling of protein sequence and biophysical properties (such as structural, functional, and spatial information, amino acid conservation, physicochemical variation, residue mobility, and thermodynamic stability) indicates that this missense variant is not expected to disrupt LEMD3 protein function with a negative predictive value of 80%. In summary, the available evidence is currently insufficient to determine the role of this variant in disease. Therefore, it has been classified as a Variant of Uncertain Significance.